The following is an entry in ClinVar:

ClinVar aggregate classification (germline): Likely benign. Review status: criteria provided, multiple submitters, no conflicts (2 of 4 stars). 3 submissions from 3 submitters: Likely benign (3). Last evaluated 2024-08-06.

Conditions:
Cardiomyopathy (CMYO). Also called: Cardiomyopathies. Identifiers: Orphanet 167848, MedGen C0878544, MONDO:0004994, HP:0001638. Inheritance: Various modes of inheritance.
Catecholaminergic polymorphic ventricular tachycardia 1. Also called: VENTRICULAR TACHYCARDIA, CATECHOLAMINERGIC POLYMORPHIC, 1, WITH OR WITHOUT ATRIAL DYSFUNCTION AND/OR DILATED CARDIOMYOPATHY; RYR2-Related Catecholaminergic Polymorphic Ventricular Tachycardia; VENTRICULAR TACHYCARDIA, STRESS-INDUCED POLYMORPHIC 1. Identifiers: Orphanet 3286, MedGen C1631597, MONDO:0011484, OMIM 604772.
Catecholaminergic polymorphic ventricular tachycardia (CVPT). Also called: Catecholamine-induced polymorphic ventricular tachycardia. Identifiers: Orphanet 3286, MedGen C5574922, MONDO:0017990.

Allele frequency attached by ClinVar (database versions not stated): TOPMed below 0.00001; gnomAD 0.00001; gnomAD exomes 0.00001.
gnomAD v4.1: 6 of 1,545,328 alleles (0.00039%); highest among the groups gnomAD compares: East Asian, 0.0025%; no homozygotes.

Submissions (3):

All of Us Research Program, National Institutes of Health
Classification: Likely benign for Catecholaminergic polymorphic ventricular tachycardia. Last evaluated: 2024-08-06. Review status: criteria provided, single submitter. Criteria: ACMG Guidelines, 2015. Collection method: clinical testing. Allele origin: germline. Inheritance: Autosomal dominant inheritance. Observed: 1 variant allele, 1 heterozygote.
Comment: This study involves interpretation of variants in research participants for the purpose of population health screening. Participant phenotype was not available at the time of variant classification. Additional details can be found in publication PMID: 35346344, PMCID: PMC8962531

Color Diagnostics, LLC DBA Color Health
Classification: Likely benign for Cardiomyopathy. Last evaluated: 2021-07-26. Review status: criteria provided, single submitter. Criteria: ACMG Guidelines, 2015. Collection method: clinical testing. Allele origin: germline.

Labcorp Genetics (formerly Invitae), Labcorp
Classification: Likely benign for Catecholaminergic polymorphic ventricular tachycardia 1. Last evaluated: 2017-12-22. Review status: criteria provided, single submitter. Criteria: Invitae Variant Classification Sherloc (09022015). Collection method: clinical testing. Allele origin: germline.

NM_001035.3(RYR2):c.8325C>T (p.Ile2775=)

Gene: RYR2 (ryanodine receptor 2; plus strand). Cytogenetic location: 1q43.
Variant type: single nucleotide variant.
Coding change: c.8325C>T on transcript NM_001035.3 (MANE Select); coding-DNA position 8325, C replaced by T.
Protein change: p.Ile2775=; no amino-acid change (isoleucine 2775 retained).
Molecular consequence: synonymous variant.
Genome position (GRCh38, 1-based): chr1:237,660,836, C>T. VCF-style: chr1-237660836-C-T. GRCh37 (hg19) VCF-style: chr1-237824136-C-T.
Other names: c.8325C>T, p.Ile2775= (LRG_402t1).
Identifiers: ClinVar variation 532416 (VCV000532416.13), dbSNP rs1474322992, ClinGen allele CA423820923.